The following is an entry in ClinVar:

ClinVar aggregate classification (germline): Uncertain significance (1 of 4 stars; one submission).

Conditions:
Adams-Oliver syndrome 5 (AOS5). Identifiers: Orphanet 974, MedGen C4014970, MONDO:0014459, OMIM 616028.

Submission:

Labcorp Genetics (formerly Invitae), Labcorp
Classification: Uncertain significance for Adams-Oliver syndrome 5. Last evaluated: 2024-12-12. Review status: criteria provided, single submitter. Criteria: Invitae Variant Classification Sherloc (09022015). Collection method: clinical testing. Allele origin: germline.
Comment: This sequence change replaces asparagine, which is neutral and polar, with serine, which is neutral and polar, at codon 463 of the NOTCH1 protein (p.Asn463Ser). This variant is not present in population databases (gnomAD no frequency). This variant has not been reported in the literature in individuals affected with NOTCH1-related conditions. An algorithm developed to predict the effect of missense changes on protein structure and function (PolyPhen-2) suggests that this variant is likely to be disruptive. In summary, the available evidence is currently insufficient to determine the role of this variant in disease. Therefore, it has been classified as a Variant of Uncertain Significance.

NM_017617.5(NOTCH1):c.1388A>G (p.Asn463Ser)

Gene: NOTCH1 (notch receptor 1; minus strand). Cytogenetic location: 9q34.3.
Variant type: single nucleotide variant.
Coding change: c.1388A>G on transcript NM_017617.5 (MANE Select); coding-DNA position 1388, A replaced by G.
Protein change: p.Asn463Ser; replaces asparagine 463 with serine.
Molecular consequence: missense variant.
Genome position (GRCh38, 1-based): chr9:136,517,805, T>C on the plus strand (A>G on the coding strand, the complement: NOTCH1 is on the minus strand). VCF-style: chr9-136517805-T-C. GRCh37 (hg19) VCF-style: chr9-139412257-T-C.
Other names: short protein forms N463S.
Identifiers: ClinVar variation 3693657 (VCV003693657.2).